The following is an entry in ClinVar:

NM_004187.5(KDM5C):c.2404C>T (p.Arg802Cys)

Gene: KDM5C (lysine demethylase 5C; minus strand). Cytogenetic location: Xp11.22.
Variant type: single nucleotide variant.
Coding change: c.2404C>T on transcript NM_004187.5 (MANE Select); coding-DNA position 2404, C replaced by T.
Protein change: p.Arg802Cys; replaces arginine 802 with cysteine.
Molecular consequence: missense variant. On other transcripts: non-coding transcript variant (3).
Genome position (GRCh38, 1-based): chrX:53,198,602, G>A on the plus strand (C>T on the coding strand, the complement: KDM5C is on the minus strand). VCF-style: chrX-53198602-G-A. GRCh37 (hg19) VCF-style: chrX-53227784-G-A.
Other names: c.2203C>T, p.Arg735Cys (NM_001146702.2); c.2401C>T, p.Arg801Cys (NM_001282622.3, NM_001353979.2, NM_001353982.2); c.2404C>T, p.Arg802Cys (NM_001353978.3, NM_001353981.2, NM_001353984.2); short protein forms R735C, R801C, R802C.
Identifiers: ClinVar variation 3903278 (VCV003903278.1).
Genomic context (GRCh38, chrX:53,198,602, plus strand): 5'-CCTCACTCAGGCAGTTCTTTAGTTGCTGCAGCAGCTCACTATTAGGAAACCTCCGCTCAC[G>A]GGCTTCAGACTCTAGTGCCCTCAGTTCTTCAAGGCCTGGAAGAAAAATGAGGGCAGCAAA-3'
Protein context (NP_004178.2, residues 792-812): EELRALESEA[Arg802Cys]ERRFPNSELL

ClinVar aggregate classification (germline): Uncertain significance (1 of 4 stars; one submission).

Submission:

GeneDx
Classification: Uncertain significance. Last evaluated: 2024-12-13. Review status: criteria provided, single submitter. Criteria: GeneDx Variant Classification Process June 2021. Collection method: clinical testing. Allele origin: germline. Affected: yes.
Comment: In silico analysis supports that this missense variant has a deleterious effect on protein structure/function; Has not been previously published as pathogenic or benign to our knowledge